The following is an entry in ClinVar:

ClinVar aggregate classification (germline): Likely benign. Review status: criteria provided, multiple submitters, no conflicts (2 of 4 stars). 3 submissions from 3 submitters: Likely benign (3). Last evaluated 2026-01-09.

Conditions:
Developmental and epileptic encephalopathy, 2 (DEE2). Also called: CDKL5 deficiency disorder; INFANTILE SPASM SYNDROME, X-LINKED 2. Identifiers: Orphanet 1934, Orphanet 3451, Orphanet 505652, MedGen C4750718, MONDO:0010396, OMIM 300672.
Angelman syndrome-like. Identifiers: MedGen CN128785.

Allele frequency attached by ClinVar (database versions not stated): TOPMed 0.00001; ExAC 0.00002; gnomAD 0.00003; gnomAD exomes 0.00003; ESP Exome Variant Server 0.00009.
gnomAD v4.1: 39 of 1,208,987 alleles (0.0032%); highest among the groups gnomAD compares: Non-Finnish European, 0.0041%; no homozygotes.

Submissions (3):

Labcorp Genetics (formerly Invitae), Labcorp
Classification: Likely benign for Developmental and epileptic encephalopathy, 2; Angelman syndrome-like. Last evaluated: 2026-01-09. Review status: criteria provided, single submitter. Criteria: Invitae Variant Classification Sherloc (09022015). Collection method: clinical testing. Allele origin: germline.

CeGaT Center for Human Genetics Tuebingen
Classification: Likely benign. Last evaluated: 2025-09-01. Review status: criteria provided, single submitter. Criteria: CeGaT Center For Human Genetics Tuebingen Variant Classification Criteria Version 2. Collection method: clinical testing. Allele origin: germline. Affected: yes. Observed: 1 variant allele.
Comment: CDKL5: BP4, BP7, BS2

Genetic Services Laboratory, University of Chicago
Classification: Likely benign. Last evaluated: 2014-03-24. Review status: criteria provided, single submitter. Criteria: ACMG Guidelines, 2007. Collection method: clinical testing. Allele origin: germline. Inheritance: X-linked inheritance.
Comment: Likely benign based on allele frequency in 1000 Genomes Project or ESP global frequency and its presence in a patient with a rare or unrelated disease phenotype. NOT Sanger confirmed

NM_001323289.2(CDKL5):c.1071C>T (p.Asp357=)

Gene: CDKL5 (cyclin dependent kinase like 5; plus strand). Cytogenetic location: Xp22.13.
Variant type: single nucleotide variant.
Coding change: c.1071C>T on transcript NM_001323289.2 (MANE Select); coding-DNA position 1071, C replaced by T.
Protein change: p.Asp357=; no amino-acid change (aspartic acid 357 retained).
Molecular consequence: synonymous variant.
Genome position (GRCh38, 1-based): chrX:18,603,995, C>T. VCF-style: chrX-18603995-C-T. GRCh37 (hg19) VCF-style: chrX-18622115-C-T.
Other names: c.1071C>T, p.Asp357= (NM_001037343.2, NM_003159.3).
Identifiers: ClinVar variation 158176 (VCV000158176.21), dbSNP rs144204039, ClinGen allele CA171604.